The following is an entry in ClinVar:

NM_000352.6(ABCC8):c.4469G>A (p.Cys1490Tyr)

Gene: ABCC8 (ATP binding cassette subfamily C member 8; minus strand). Cytogenetic location: 11p15.1.
Variant type: single nucleotide variant.
Coding change: c.4469G>A on transcript NM_000352.6 (MANE Select); coding-DNA position 4469, G replaced by A.
Protein change: p.Cys1490Tyr; replaces cysteine 1490 with tyrosine.
Molecular consequence: missense variant. On other transcripts: non-coding transcript variant (1).
Genome position (GRCh38, 1-based): chr11:17,394,342, C>T on the plus strand (G>A on the coding strand, the complement: ABCC8 is on the minus strand). VCF-style: chr11-17394342-C-T. GRCh37 (hg19) VCF-style: chr11-17415889-C-T.
Other names: c.4472G>A, p.Cys1491Tyr (NM_001287174.3); c.4535G>A, p.Cys1512Tyr (NM_001351295.2); c.4469G>A, p.Cys1490Tyr (NM_001351296.2); c.4466G>A, p.Cys1489Tyr (NM_001351297.2); short protein forms C1489Y, C1490Y, C1491Y, C1512Y.
Identifiers: ClinVar variation 1336491 (VCV001336491.5), dbSNP rs1180424930, ClinGen allele CA379783315.
Genomic context (GRCh38, chr11:17,394,342, plus strand): 5'-GAAGCCGTGGCCTCGTCCATGATGAAGATGCTGGTCTTCCTCACGAAGGCCCGGGCCAGG[C>T]AGAACAGCTGCCTCTGTCCCTGGCTGAAATTCTCCCCGCCTTCTGTGATGATGGCATCTG-3'
Protein context (NP_000343.2, residues 1480-1500): NFSQGQRQLF[Cys1490Tyr]LARAFVRKTS

ClinVar aggregate classification (germline): Uncertain significance. Review status: criteria provided, multiple submitters, no conflicts (2 of 4 stars). 2 submissions from 2 submitters: Uncertain significance (2). Last evaluated 2026-08-17.

Conditions:
Hyperinsulinemic hypoglycemia, familial, 1 (HHF1). Also called: Persistent hyperinsulinemic hypoglycemia of infancy; HYPERINSULINISM, FAMILIAL, WITH PANCREATIC NESIDIOBLASTOSIS; HYPOGLYCEMIA, HYPERINSULINEMIC, OF INFANCY; NESIDIOBLASTOSIS OF PANCREAS; Persistent Hyperinsulinemia Hypoglycemia of Infancy. Identifiers: Orphanet 276575, Orphanet 276598, MedGen C2931832, MONDO:0009734, OMIM 256450.

Submissions (2):

Myriad Genetics, Inc.
Classification: Uncertain significance for Hyperinsulinemic hypoglycemia, familial, 1. Last evaluated: 2026-08-17. Review status: criteria provided, single submitter. Criteria: Myriad Autosomal Dominant, Autosomal Recessive and X-Linked Classification Criteria (2023). Collection method: clinical testing. Allele origin: unknown.
Comment: NM_000352.3(ABCC8):c.4469G>A(C1490Y) is a missense variant classified as a variant of uncertain significance in the context of familial hyperinsulinism, ABCC8-related. C1490Y has been observed in a case with relevant disease (PMID: 41022322). Relevant functional assessments of this variant are available in the literature (PMID: 41022322). C1490Y has not been observed in referenced population frequency databases. In summary, there is insufficient evidence to classify NM_000352.3(ABCC8):c.4469G>A(C1490Y) as pathogenic or benign. Please note: this variant was assessed in the context of healthy population screening.

Genetic Services Laboratory, University of Chicago
Classification: Uncertain significance. Last evaluated: 2018-01-17. Review status: criteria provided, single submitter. Criteria: ACMG Guidelines, 2015. Collection method: clinical testing. Allele origin: germline. Affected: no.

Literature cited by the submitters: PubMed 41022322 (cited by Myriad Genetics, Inc.).